The following is an entry in ClinVar:

ClinVar aggregate classification (germline): Likely benign. Review status: criteria provided, multiple submitters, no conflicts (2 of 4 stars). 2 submissions from 2 submitters: Likely benign (2). Last evaluated 2026-06-11.

Conditions:
PPP2CA-related disorder. Also called: PPP2CA-related condition.

gnomAD v4.1: 52 of 1,613,930 alleles (0.0032%); highest among the groups gnomAD compares: Non-Finnish European, 0.0042%; no homozygotes.

Submissions (2):

PreventionGenetics, part of Exact Sciences
Classification: Likely benign for PPP2CA-related condition. Last evaluated: 2026-06-11. Review status: criteria provided, single submitter. Criteria: ACMG Guidelines, 2015. Collection method: clinical testing. Allele origin: germline.
Comment: This variant is classified as likely benign based on ACMG/AMP sequence variant interpretation guidelines (Richards et al. 2015 PMID: 25741868, with internal and published modifications).

Labcorp Genetics (formerly Invitae), Labcorp
Classification: Likely benign. Last evaluated: 2025-01-17. Review status: criteria provided, single submitter. Criteria: Invitae Variant Classification Sherloc (09022015). Collection method: clinical testing. Allele origin: germline.

NM_002715.4(PPP2CA):c.414A>G (p.Gly138=)

Gene: PPP2CA (protein phosphatase 2 catalytic subunit alpha; minus strand). Cytogenetic location: 5q31.1.
Variant type: single nucleotide variant.
Coding change: c.414A>G on transcript NM_002715.4 (MANE Select); coding-DNA position 414, A replaced by G.
Protein change: p.Gly138=; no amino-acid change (glycine 138 retained).
Molecular consequence: synonymous variant. On other transcripts: non-coding transcript variant (1).
Genome position (GRCh38, 1-based): chr5:134,201,920, T>C on the plus strand (A>G on the coding strand, the complement: PPP2CA is on the minus strand). VCF-style: chr5-134201920-T-C. GRCh37 (hg19) VCF-style: chr5-133537611-T-C.
Other names: c.219A>G, p.Gly73= (NM_001355019.2); c.414A>G (NM_002715.2).
Identifiers: ClinVar variation 3623211 (VCV003623211.3).